The following is an entry in ClinVar:

NM_000138.5(FBN1):c.6822C>A (p.Cys2274Ter)

Gene: FBN1 (fibrillin 1; minus strand). Cytogenetic location: 15q21.1.
Variant type: single nucleotide variant.
Coding change: c.6822C>A on transcript NM_000138.5 (MANE Select); coding-DNA position 6822, C replaced by A.
Protein change: p.Cys2274Ter; replaces cysteine 2274 with a stop codon.
Molecular consequence: nonsense.
Genome position (GRCh38, 1-based): chr15:48,430,720, G>T on the plus strand (C>A on the coding strand, the complement: FBN1 is on the minus strand). VCF-style: chr15-48430720-G-T. GRCh37 (hg19) VCF-style: chr15-48722917-G-T.
Other names: c.6822C>A, p.Cys2274Ter (NM_001406716.1); short protein forms C2274*.
Identifiers: ClinVar variation 4784232 (VCV004784232.1).

ClinVar aggregate classification (germline): Pathogenic (1 of 4 stars; one submission).

Conditions:
Marfan syndrome (MFS). Also called: FBN1-Related Marfan Syndrome; MARFAN SYNDROME, TYPE I; Marfan syndrome type 1; Marfan's syndrome; Marfan syndrome, classic. Identifiers: Orphanet 284963, Orphanet 558, MedGen C0024796, MONDO:0007947, OMIM 154700.
Familial thoracic aortic aneurysm and aortic dissection (TAAD). Also called: Thoracic aortic aneurysms and dissections. Identifiers: Orphanet 91387, MedGen C4707243, MONDO:0019625.

Submission:

Labcorp Genetics (formerly Invitae), Labcorp
Classification: Pathogenic for Marfan syndrome; Familial thoracic aortic aneurysm and aortic dissection. Last evaluated: 2025-02-20. Review status: criteria provided, single submitter. Criteria: Invitae Variant Classification Sherloc (09022015). Collection method: clinical testing. Allele origin: germline.
Comment: This sequence change creates a premature translational stop signal (p.Cys2274*) in the FBN1 gene. It is expected to result in an absent or disrupted protein product. Loss-of-function variants in FBN1 are known to be pathogenic (PMID: 17657824, 19293843). This variant is not present in population databases (gnomAD no frequency). This variant has not been reported in the literature in individuals affected with FBN1-related conditions. For these reasons, this variant has been classified as Pathogenic.

Literature cited by the submitters: PubMed 17657824; PubMed 19293843.